The following is an entry in ClinVar:

NM_021620.4(PRDM13):c.55C>T (p.Pro19Ser)

Gene: PRDM13 (PR/SET domain 13; plus strand). Cytogenetic location: 6q16.2.
Variant type: single nucleotide variant.
Coding change: c.55C>T on transcript NM_021620.4 (MANE Select); coding-DNA position 55, C replaced by T.
Protein change: p.Pro19Ser; replaces proline 19 with serine.
Molecular consequence: missense variant.
Genome position (GRCh38, 1-based): chr6:99,607,089, C>T. VCF-style: chr6-99607089-C-T. GRCh37 (hg19) VCF-style: chr6-100054965-C-T.
Other names: short protein forms P19S.
Identifiers: ClinVar variation 1002070 (VCV001002070.8), dbSNP rs1450621711, ClinGen allele CA365113140.

ClinVar aggregate classification (germline): Uncertain significance (1 of 4 stars; one submission).

Allele frequency attached by ClinVar (database versions not stated): gnomAD exomes below 0.00001 and 0.00001; gnomAD 0.00001; TOPMed 0.00001.
gnomAD v4.1: 7 of 1,613,484 alleles (0.00043%); highest among the groups gnomAD compares: Non-Finnish European, 0.00059%; no homozygotes.

Submission:

Labcorp Genetics (formerly Invitae), Labcorp
Classification: Uncertain significance. Last evaluated: 2024-10-15. Review status: criteria provided, single submitter. Criteria: Invitae Variant Classification Sherloc (09022015). Collection method: clinical testing. Allele origin: germline.
Comment: This sequence change replaces proline, which is neutral and non-polar, with serine, which is neutral and polar, at codon 19 of the PRDM13 protein (p.Pro19Ser). This variant is present in population databases (no rsID available, gnomAD 0.002%). This variant has not been reported in the literature in individuals affected with PRDM13-related conditions. ClinVar contains an entry for this variant (Variation ID: 1002070). An algorithm developed to predict the effect of missense changes on protein structure and function (PolyPhen-2) suggests that this variant is likely to be tolerated. In summary, the available evidence is currently insufficient to determine the role of this variant in disease. Therefore, it has been classified as a Variant of Uncertain Significance.